The following is an entry in ClinVar:

NM_000051.4(ATM):c.3568G>C (p.Val1190Leu)

Gene: ATM (ATM serine/threonine kinase; plus strand). Cytogenetic location: 11q22.3.
Variant type: single nucleotide variant.
Coding change: c.3568G>C on transcript NM_000051.4 (MANE Select); coding-DNA position 3568, G replaced by C.
Protein change: p.Val1190Leu; replaces valine 1190 with leucine.
Molecular consequence: missense variant.
Genome position (GRCh38, 1-based): chr11:108,281,160, G>C. VCF-style: chr11-108281160-G-C. GRCh37 (hg19) VCF-style: chr11-108151887-G-C.
Other names: c.3568G>C, p.Val1190Leu (NM_001351834.2); short protein forms V1190L.
Identifiers: ClinVar variation 233885 (VCV000233885.7), dbSNP rs876660708, ClinGen allele CA10579113.

ClinVar aggregate classification (germline): Uncertain significance. Review status: criteria provided, multiple submitters, no conflicts (2 of 4 stars). 2 submissions from 2 submitters: Uncertain significance (2). Last evaluated 2024-06-21.

Conditions:
Hereditary cancer-predisposing syndrome. Also called: Tumor predisposition; Hereditary Cancer Syndrome; Hereditary neoplastic syndrome; Neoplastic Syndromes, Hereditary. Identifiers: Orphanet 140162, MedGen C0027672, MeSH D009386, MONDO:0015356.
Ataxia-telangiectasia syndrome (AT). Also called: Ataxia telangiectasia (A-T); LOUIS-BAR SYNDROME; Cerebello-oculocutaneous telangiectasia; Immunodeficiency with ataxia telangiectasia; ATAXIA-TELANGIECTASIA, COMPLEMENTATION GROUP A; ATAXIA-TELANGIECTASIA, FRESNO VARIANT. Identifiers: Orphanet 100, MedGen C0004135, MONDO:0008840, OMIM 208900.

Submissions (2):

Labcorp Genetics (formerly Invitae), Labcorp
Classification: Uncertain significance for Ataxia-telangiectasia syndrome. Last evaluated: 2024-06-21. Review status: criteria provided, single submitter. Criteria: Invitae Variant Classification Sherloc (09022015). Collection method: clinical testing. Allele origin: germline.
Comment: This sequence change replaces valine, which is neutral and non-polar, with leucine, which is neutral and non-polar, at codon 1190 of the ATM protein (p.Val1190Leu). This variant is not present in population databases (gnomAD no frequency). This variant has not been reported in the literature in individuals affected with ATM-related conditions. ClinVar contains an entry for this variant (Variation ID: 233885). An algorithm developed to predict the effect of missense changes on protein structure and function (PolyPhen-2) suggests that this variant is likely to be tolerated. In summary, the available evidence is currently insufficient to determine the role of this variant in disease. Therefore, it has been classified as a Variant of Uncertain Significance.

Ambry Genetics
Classification: Uncertain significance for Hereditary cancer-predisposing syndrome. Last evaluated: 2015-09-14. Review status: criteria provided, single submitter. Criteria: Ambry Variant Classification Scheme 2023. Collection method: clinical testing. Allele origin: germline.
Comment: The p.V1190L variant (also known as c.3568G>C), located in coding exon 23 of the ATM gene, results from a G to C substitution at nucleotide position 3568. The valine at codon 1190 is replaced by leucine, an amino acid with highly similar properties. This variant was not reported in population based cohorts in the following databases: Database of Single Nucleotide Polymorphisms (dbSNP), NHLBI Exome Sequencing Project (ESP), and 1000 Genomes Project. In the ESP, this variant was not observed in 6499 samples (12998 alleles) with coverage at this position. To date, this alteration has been detected with an allele frequency of approximately 0.002% (greater than 66000 alleles tested) in our clinical cohort. This amino acid position is poorly conserved in available vertebrate species. In addition, this alteration is predicted to be tolerated by in silico analysis. Since supporting evidence is limited at this time, the clinical significance of p.V1190L remains unclear.